The following is an entry in ClinVar:

NM_000069.3(CACNA1S):c.3664G>A (p.Val1222Ile)

Gene: CACNA1S (calcium voltage-gated channel subunit alpha1 S; minus strand). Cytogenetic location: 1q32.1.
Variant type: single nucleotide variant.
Coding change: c.3664G>A on transcript NM_000069.3 (MANE Select); coding-DNA position 3664, G replaced by A.
Protein change: p.Val1222Ile; replaces valine 1222 with isoleucine.
Molecular consequence: missense variant.
Genome position (GRCh38, 1-based): chr1:201,054,507, C>T on the plus strand (G>A on the coding strand, the complement: CACNA1S is on the minus strand). VCF-style: chr1-201054507-C-T. GRCh37 (hg19) VCF-style: chr1-201023635-C-T.
Other names: p.Val1222Ile; short protein forms V1222I.
Identifiers: ClinVar variation 473989 (VCV000473989.42), dbSNP rs202240111, ClinGen allele CA082696.

ClinVar aggregate classification (germline): Conflicting classifications of pathogenicity. Review status: criteria provided, conflicting classifications (1 of 4 stars). 8 submissions from 8 submitters: Uncertain significance (6); Likely benign (2). Last evaluated 2026-04-22.

Conditions:
Thyrotoxic periodic paralysis, susceptibility to, 1 (TTPP1). Identifiers: Orphanet 79102, MedGen C2749982, MONDO:0008570, OMIM 188580.
Congenital myopathy 18. Also called: DIHYDROPYRIDINE RECEPTOR CONGENITAL MYOPATHY; DHPR CONGENITAL MYOPATHY; Myopathy, congenital, due to dihydropyridine receptor defect. Identifiers: MedGen C5830283, MONDO:0859514, OMIM 620246.
Hypokalemic periodic paralysis, type 1. Also called: Hypokalemic Periodic Paralysis Type 1 (AD); HypoPP. Identifiers: Orphanet 681, MedGen C3714580, MONDO:0042979, OMIM 170400.
Malignant hyperthermia, susceptibility to, 5 (MHS5). Also called: CACNA1S-Related Malignant Hyperthermia Susceptibility. Identifiers: Orphanet 423, MedGen C1866077, MONDO:0011163, OMIM 601887.
Inborn genetic diseases. Identifiers: MedGen C0950123, MeSH D030342.

Allele frequency attached by ClinVar (database versions not stated): TOPMed 0.00007; gnomAD 0.00009 and 0.00010; 1000 Genomes Project 0.00040; 1000 Genomes Project 30x 0.00047.
gnomAD v4.1: 49 of 1,613,738 alleles (0.003%); highest among the groups gnomAD compares: East Asian, 0.067%; 1 homozygote.

Submissions (8):

GeneDx
Classification: Uncertain significance. Last evaluated: 2026-04-22. Review status: criteria provided, single submitter. Criteria: GeneDx Variant Classification Process June 2021. Collection method: clinical testing. Allele origin: germline.
Comment: In silico analysis suggests that this missense variant does not alter protein structure/function; Has not been previously published as pathogenic or benign to our knowledge

Labcorp Genetics (formerly Invitae), Labcorp
Classification: Likely benign for Hypokalemic periodic paralysis, type 1; Malignant hyperthermia, susceptibility to, 5. Last evaluated: 2026-01-13. Review status: criteria provided, single submitter. Criteria: Invitae Variant Classification Sherloc (09022015). Collection method: clinical testing. Allele origin: germline.

Color Diagnostics, LLC DBA Color Health
Classification: Uncertain significance for Malignant hyperthermia, susceptibility to, 5. Last evaluated: 2024-11-21. Review status: criteria provided, single submitter. Criteria: ACMG Guidelines, 2015. Collection method: clinical testing. Allele origin: germline.
Comment: This missense variant replaces valine with isoleucine at codon 1222 of the CACNA1S protein. Computational prediction suggests that this variant may not impact protein structure and function. To our knowledge, functional studies have not been reported for this variant. This variant has not been reported in individuals affected with CACNA1S-related disorders in the literature. This variant has been identified in 37/281904 chromosomes in the general population by the Genome Aggregation Database (gnomAD). The available evidence is insufficient to determine the role of this variant in disease conclusively. Therefore, this variant is classified as a Variant of Uncertain Significance.

All of Us Research Program, National Institutes of Health
Classification: Uncertain significance for Malignant hyperthermia, susceptibility to, 5. Last evaluated: 2024-09-23. Review status: criteria provided, single submitter. Criteria: ACMG Guidelines, 2015. Collection method: clinical testing. Allele origin: germline. Inheritance: Autosomal dominant inheritance. Observed: 17 variant alleles, 17 heterozygotes.
Comment: This missense variant replaces valine with isoleucine at codon 1222 of the CACNA1S protein. Computational prediction suggests that this variant may not impact protein structure and function (internally defined REVEL score threshold <= 0.5, PMID: 27666373). To our knowledge, functional studies have not been reported for this variant. This variant has not been reported in individuals affected with CACNA1S-related disorders in the literature. This variant has been identified in 37/281904 chromosomes in the general population by the Genome Aggregation Database (gnomAD). The available evidence is insufficient to determine the role of this variant in disease conclusively. Therefore, this variant is classified as a Variant of Uncertain Significance.

This study involves interpretation of variants in research participants for the purpose of population health screening. Participant phenotype was not available at the time of variant classification. Additional details can be found in publication PMID: 35346344, PMCID: PMC8962531

Mayo Clinic Laboratories, Mayo Clinic
Classification: Uncertain significance. Last evaluated: 2024-07-05. Review status: criteria provided, single submitter. Criteria: ACMG Guidelines, 2015. Collection method: clinical testing. Allele origin: germline. Observed: 1 variant allele.
Comment: BP4

CeGaT Center for Human Genetics Tuebingen
Classification: Uncertain significance. Last evaluated: 2023-09-01. Review status: criteria provided, single submitter. Criteria: CeGaT Center For Human Genetics Tuebingen Variant Classification Criteria Version 2. Collection method: clinical testing. Allele origin: germline. Affected: yes. Observed: 1 variant allele.

Ambry Genetics
Classification: Uncertain significance for Inborn genetic diseases. Last evaluated: 2022-12-02. Review status: criteria provided, single submitter. Criteria: Ambry Variant Classification Scheme 2023. Collection method: clinical testing. Allele origin: germline.

Juno Genomics, Hangzhou Juno Genomics, Inc
Classification: Likely benign for Congenital myopathy 18; Malignant hyperthermia, susceptibility to, 5; Thyrotoxic periodic paralysis, susceptibility to, 1; Hypokalemic periodic paralysis, type 1. Review status: criteria provided, single submitter. Criteria: ACMG Guidelines, 2015. Collection method: clinical testing. Allele origin: germline.
Comment: Multiple lines of computational evidence suggest no impact on gene or gene product.